The following is an entry in ClinVar:

ClinVar aggregate classification (germline): Likely benign. Review status: criteria provided, multiple submitters, no conflicts (2 of 4 stars). 2 submissions from 2 submitters: Likely benign (2). Last evaluated 2024-08-11.

Conditions:
Juvenile polyposis syndrome (JPS). Identifiers: Orphanet 2929, MedGen C0345893, MONDO:0017380, OMIM 174900.

Submissions (2):

Labcorp Genetics (formerly Invitae), Labcorp
Classification: Likely benign for Juvenile polyposis syndrome. Last evaluated: 2024-08-11. Review status: criteria provided, single submitter. Criteria: Invitae Variant Classification Sherloc (09022015). Collection method: clinical testing. Allele origin: germline.

Myriad Genetics, Inc.
Classification: Likely benign for Juvenile polyposis syndrome. Last evaluated: 2024-08-01. Review status: criteria provided, single submitter. Criteria: Myriad Autosomal Dominant, Autosomal Recessive and X-Linked Classification Criteria (2023). Collection method: clinical testing. Allele origin: unknown.
Comment: This variant is considered likely benign. This variant is intronic and is not expected to impact mRNA splicing.

NM_004329.3(BMPR1A):c.334-8T>C

Gene: BMPR1A (bone morphogenetic protein receptor type 1A; plus strand). Cytogenetic location: 10q23.2.
Variant type: single nucleotide variant.
Coding change: c.334-8T>C on transcript NM_004329.3 (MANE Select); 8 bases into the intron before coding-DNA position 334, T replaced by C.
Molecular consequence: intron variant.
Genome position (GRCh38, 1-based): chr10:86,899,786, T>C. VCF-style: chr10-86899786-T-C. GRCh37 (hg19) VCF-style: chr10-88659543-T-C.
Identifiers: ClinVar variation 460497 (VCV000460497.13), dbSNP rs1554888958, ClinGen allele CA658657977.